The following is an entry in ClinVar:

ClinVar aggregate classification (germline): Uncertain significance. Review status: criteria provided, multiple submitters, no conflicts (2 of 4 stars). 3 submissions from 3 submitters: Uncertain significance (3). Last evaluated 2025-06-02.

Conditions:
Vitamin D-dependent rickets type II with alopecia (VDDR2A). Also called: GENERALIZED RESISTANCE TO 1,25-DIHYDROXYVITAMIN D; HYPOCALCEMIC VITAMIN D-RESISTANT RICKETS; PDDR IIA; PSEUDOVITAMIN D-DEFICIENCY, TYPE IIA; RICKETS, HEREDITARY VITAMIN D-RESISTANT; RICKETS-ALOPECIA SYNDROME. Identifiers: Orphanet 93160, MedGen C0342646, MONDO:0010186, OMIM 277440.

Allele frequency attached by ClinVar (database versions not stated): gnomAD exomes 0.00002; ExAC 0.00004; ESP Exome Variant Server 0.00015; gnomAD 0.00016; TOPMed 0.00030.
gnomAD v4.1: 50 of 1,613,878 alleles (0.0031%); highest among the groups gnomAD compares: African/African-American, 0.065%; no homozygotes.

Submissions (3):

Women's Health and Genetics/Laboratory Corporation of America, LabCorp
Classification: Uncertain significance. Last evaluated: 2025-06-02. Review status: criteria provided, single submitter. Criteria: LabCorp Variant Classification Summary - May 2015. Collection method: clinical testing. Allele origin: germline.
Comment: Variant summary: VDR c.1082A>G (p.Asn361Ser) results in a conservative amino acid change located in the ligand-binding domain (IPR000536) of the encoded protein sequence. Algorithms developed to predict the effect of missense changes on protein structure and function are either unavailable or do not agree on the potential impact of this missense change. The variant allele was found at a frequency of 4.4e-05 in 251374 control chromosomes, predominantly at a frequency of 0.00062 within the African or African-American subpopulation in the gnomAD database. This frequency is not significantly higher than estimated for a pathogenic variant in VDR causing Vitamin D-Dependent Rickets Type II With Alopecia, allowing no conclusion about variant significance. To our knowledge, no occurrence of c.1082A>G in individuals affected with Vitamin D-Dependent Rickets Type II With Alopecia and no experimental evidence demonstrating its impact on protein function have been reported. ClinVar contains an entry for this variant (Variation ID: 2192776). Based on the evidence outlined above, the variant was classified as uncertain significance.

Fulgent Genetics
Classification: Uncertain significance for Vitamin D-dependent rickets type II with alopecia. Last evaluated: 2024-04-12. Review status: criteria provided, single submitter. Criteria: ACMG Guidelines, 2015. Collection method: clinical testing. Allele origin: germline.

Labcorp Genetics (formerly Invitae), Labcorp
Classification: Uncertain significance. Last evaluated: 2022-05-27. Review status: criteria provided, single submitter. Criteria: Invitae Variant Classification Sherloc (09022015). Collection method: clinical testing. Allele origin: germline.
Comment: This sequence change replaces asparagine, which is neutral and polar, with serine, which is neutral and polar, at codon 361 of the VDR protein (p.Asn361Ser). This variant is present in population databases (rs137900268, gnomAD 0.05%). This variant has not been reported in the literature in individuals affected with VDR-related conditions. Algorithms developed to predict the effect of missense changes on protein structure and function (SIFT, PolyPhen-2, Align-GVGD) all suggest that this variant is likely to be tolerated. In summary, the available evidence is currently insufficient to determine the role of this variant in disease. Therefore, it has been classified as a Variant of Uncertain Significance.

NM_000376.3(VDR):c.1082A>G (p.Asn361Ser)

Gene: VDR (vitamin D receptor; minus strand). Cytogenetic location: 12q13.11.
Variant type: single nucleotide variant.
Coding change: c.1082A>G on transcript NM_000376.3 (MANE Select); coding-DNA position 1082, A replaced by G.
Protein change: p.Asn361Ser; replaces asparagine 361 with serine.
Molecular consequence: missense variant.
Genome position (GRCh38, 1-based): chr12:47,844,948, T>C on the plus strand (A>G on the coding strand, the complement: VDR is on the minus strand). VCF-style: chr12-47844948-T-C. GRCh37 (hg19) VCF-style: chr12-48238731-T-C.
Other names: c.1082A>G, p.Asn361Ser (NM_001017535.2, NM_001364085.2, NM_001374661.1 and 1 more transcripts); c.1232A>G, p.Asn411Ser (NM_001017536.2); c.1082A>G (NM_001017535.1); short protein forms N361S, N411S.
Identifiers: ClinVar variation 2192776 (VCV002192776.3), dbSNP rs137900268, ClinGen allele CA6533757.